The following is an entry in ClinVar:

ClinVar aggregate classification (germline): Uncertain significance. Review status: criteria provided, multiple submitters, no conflicts (2 of 4 stars). 2 submissions from 2 submitters: Uncertain significance (2). Last evaluated 2026-04-24.

Conditions:
Hereditary cancer-predisposing syndrome. Also called: Tumor predisposition; Hereditary neoplastic syndrome; Neoplastic Syndromes, Hereditary; Hereditary Cancer Syndrome. Identifiers: Orphanet 140162, MedGen C0027672, MeSH D009386, MONDO:0015356.
Gastrointestinal stromal tumor. Also called: Gastrointestinal stroma tumor; Gastrointestinal stromal tumor, somatic. Identifiers: Orphanet 44890, MedGen C0238198, MeSH D046152, MONDO:0011719, OMIM 606764, HP:0100723.

Allele frequency attached by ClinVar (database versions not stated): gnomAD exomes below 0.00001.
gnomAD v4.1: 1 of 1,614,186 alleles (0.000062%); highest among the groups gnomAD compares: Non-Finnish European, 0.000085%; no homozygotes.

Submissions (2):

Ambry Genetics
Classification: Uncertain significance for Hereditary cancer-predisposing syndrome. Last evaluated: 2026-04-24. Review status: criteria provided, single submitter. Criteria: Ambry Variant Classification Scheme 2023. Collection method: clinical testing. Allele origin: germline.
Comment: The p.P27S variant (also known as c.79C>T), located in coding exon 2 of the KIT gene, results from a C to T substitution at nucleotide position 79. The proline at codon 27 is replaced by serine, an amino acid with similar properties. This amino acid position is highly conserved in available vertebrate species. In addition, this alteration is predicted to be tolerated by in silico analysis. Based on the available evidence, the clinical significance of this variant remains unclear.

Labcorp Genetics (formerly Invitae), Labcorp
Classification: Uncertain significance for Gastrointestinal stromal tumor. Last evaluated: 2025-08-29. Review status: criteria provided, single submitter. Criteria: Invitae Variant Classification Sherloc (09022015). Collection method: clinical testing. Allele origin: germline.
Comment: This sequence change replaces proline, which is neutral and non-polar, with serine, which is neutral and polar, at codon 27 of the KIT protein (p.Pro27Ser). This variant is not present in population databases (gnomAD no frequency). This variant has not been reported in the literature in individuals affected with KIT-related conditions. ClinVar contains an entry for this variant (Variation ID: 458971). An algorithm developed to predict the effect of missense changes on protein structure and function (PolyPhen-2) suggests that this variant is likely to be disruptive. In summary, the available evidence is currently insufficient to determine the role of this variant in disease. Therefore, it has been classified as a Variant of Uncertain Significance.

NM_000222.3(KIT):c.79C>T (p.Pro27Ser)

Gene: KIT (KIT proto-oncogene, receptor tyrosine kinase; plus strand). Cytogenetic location: 4q12.
Variant type: single nucleotide variant.
Coding change: c.79C>T on transcript NM_000222.3 (MANE Select); coding-DNA position 79, C replaced by T.
Protein change: p.Pro27Ser; replaces proline 27 with serine.
Molecular consequence: missense variant.
Genome position (GRCh38, 1-based): chr4:54,695,523, C>T. VCF-style: chr4-54695523-C-T. GRCh37 (hg19) VCF-style: chr4-55561689-C-T.
Other names: c.79C>T, p.Pro27Ser (NM_001093772.2, NM_001385284.1, NM_001385285.1 and 4 more transcripts); short protein forms P27S.
Identifiers: ClinVar variation 458971 (VCV000458971.11), dbSNP rs1553887242, ClinGen allele CA356896803.